The following is an entry in ClinVar:

ClinVar aggregate classification (germline): Pathogenic. Review status: criteria provided, multiple submitters, no conflicts (2 of 4 stars). 2 submissions from 2 submitters: Pathogenic (2). Last evaluated 2024-05-08.

Conditions:
Methylmalonic aciduria due to methylmalonyl-CoA mutase deficiency (MAMM). Also called: Methylmalonic aciduria, mut type. Identifiers: Orphanet 27, MedGen C1855114, MONDO:0009612, OMIM 251000.

Submissions (2):

Myriad Genetics, Inc.
Classification: Pathogenic for Methylmalonic aciduria due to methylmalonyl-CoA mutase deficiency. Last evaluated: 2024-05-08. Review status: criteria provided, single submitter. Criteria: Myriad Autosomal Dominant, Autosomal Recessive and X-Linked Classification Criteria (2023). Collection method: clinical testing. Allele origin: unknown.
Comment: NM_000255.3(MMUT):c.1599T>A(C533*) is expected to be pathogenic in the context of methylmalonic acidemia, MMUT-related. This variant is predicted to lead to an abnormal or absent protein product due to the creation of a premature termination codon in MMUT, a gene where loss-of-function variants are known to be pathogenic. Please note: this variant was assessed in the context of healthy population screening.

Eurofins Ntd Llc (ga)
Classification: Pathogenic. Last evaluated: 2015-06-10. Review status: criteria provided, single submitter. Criteria: EGL Classification Definitions 2015. Collection method: clinical testing. Allele origin: germline. Observed: 1 variant allele, 1 heterozygote.

NM_000255.4(MMUT):c.1599T>A (p.Cys533Ter)

Gene: MMUT (methylmalonyl-CoA mutase; minus strand). Cytogenetic location: 6p12.3.
Variant type: single nucleotide variant.
Coding change: c.1599T>A on transcript NM_000255.4 (MANE Select); coding-DNA position 1599, T replaced by A.
Protein change: p.Cys533Ter; replaces cysteine 533 with a stop codon.
Molecular consequence: nonsense.
Genome position (GRCh38, 1-based): chr6:49,444,716, A>T on the plus strand (T>A on the coding strand, the complement: MMUT is on the minus strand). VCF-style: chr6-49444716-A-T. GRCh37 (hg19) VCF-style: chr6-49412429-A-T.
Other names: short protein forms C533*.
Identifiers: ClinVar variation 281332 (VCV000281332.6), dbSNP rs886042128, ClinGen allele CA10603844.